The following is an entry in ClinVar:

NM_002439.5(MSH3):c.1347G>C (p.Gln449His)

Gene: MSH3 (mutS homolog 3; plus strand). Cytogenetic location: 5q14.1.
Variant type: single nucleotide variant.
Coding change: c.1347G>C on transcript NM_002439.5 (MANE Select); coding-DNA position 1347, G replaced by C.
Protein change: p.Gln449His; replaces glutamine 449 with histidine.
Molecular consequence: missense variant.
Genome position (GRCh38, 1-based): chr5:80,725,459, G>C. VCF-style: chr5-80725459-G-C. GRCh37 (hg19) VCF-style: chr5-80021278-G-C.
Other names: short protein forms Q449H.
Identifiers: ClinVar variation 818915 (VCV000818915.10), dbSNP rs1405458524, ClinGen allele CA360273348.

ClinVar aggregate classification (germline): Uncertain significance. Review status: criteria provided, multiple submitters, no conflicts (2 of 4 stars). 2 submissions from 2 submitters: Uncertain significance (2). Last evaluated 2024-12-17.

Conditions:
Hereditary cancer-predisposing syndrome. Also called: Tumor predisposition; Hereditary neoplastic syndrome; Neoplastic Syndromes, Hereditary; Hereditary Cancer Syndrome. Identifiers: Orphanet 140162, MedGen C0027672, MeSH D009386, MONDO:0015356.

Allele frequency attached by ClinVar (database versions not stated): TOPMed below 0.00001.

Submissions (2):

Ambry Genetics
Classification: Uncertain significance for Hereditary cancer-predisposing syndrome. Last evaluated: 2024-12-17. Review status: criteria provided, single submitter. Criteria: Ambry Variant Classification Scheme 2023. Collection method: clinical testing. Allele origin: germline.
Comment: The p.Q449H variant (also known as c.1347G>C), located in coding exon 9 of the MSH3 gene, results from a G to C substitution at nucleotide position 1347. The glutamine at codon 449 is replaced by histidine, an amino acid with highly similar properties. This amino acid position is poorly conserved in available vertebrate species. In addition, this alteration is predicted to be tolerated by in silico analysis. Since supporting evidence is limited at this time, the clinical significance of this alteration remains unclear.

Labcorp Genetics (formerly Invitae), Labcorp
Classification: Uncertain significance. Last evaluated: 2024-05-06. Review status: criteria provided, single submitter. Criteria: Invitae Variant Classification Sherloc (09022015). Collection method: clinical testing. Allele origin: germline.
Comment: This sequence change replaces glutamine, which is neutral and polar, with histidine, which is basic and polar, at codon 449 of the MSH3 protein (p.Gln449His). This variant is not present in population databases (gnomAD no frequency). This variant has not been reported in the literature in individuals affected with MSH3-related conditions. ClinVar contains an entry for this variant (Variation ID: 818915). An algorithm developed to predict the effect of missense changes on protein structure and function (PolyPhen-2) suggests that this variant is likely to be tolerated. In summary, the available evidence is currently insufficient to determine the role of this variant in disease. Therefore, it has been classified as a Variant of Uncertain Significance.